The following is an entry in ClinVar:

NM_022041.4(GAN):c.976G>C (p.Gly326Arg)

Gene: GAN (gigaxonin; plus strand). Cytogenetic location: 16q23.2.
Variant type: single nucleotide variant.
Coding change: c.976G>C on transcript NM_022041.4 (MANE Select); coding-DNA position 976, G replaced by C.
Protein change: p.Gly326Arg; replaces glycine 326 with arginine.
Molecular consequence: missense variant.
Genome position (GRCh38, 1-based): chr16:81,362,501, G>C. VCF-style: chr16-81362501-G-C. GRCh37 (hg19) VCF-style: chr16-81396106-G-C.
Other names: c.337G>C, p.Gly113Arg (NM_001377486.1); short protein forms G113R, G326R.
Identifiers: ClinVar variation 1009747 (VCV001009747.10), dbSNP rs773294836, ClinGen allele CA396874577.

ClinVar aggregate classification (germline): Uncertain significance (1 of 4 stars; one submission).

Conditions:
Giant axonal neuropathy 1 (GAN1). Also called: GIANT AXONAL NEUROPATHY 1, AUTOSOMAL RECESSIVE; GAN-Related Neurodegeneration. Identifiers: Orphanet 643, MedGen C1850386, MONDO:0009749, OMIM 256850.

Submission:

Labcorp Genetics (formerly Invitae), Labcorp
Classification: Uncertain significance for Giant axonal neuropathy 1. Last evaluated: 2022-06-13. Review status: criteria provided, single submitter. Criteria: Invitae Variant Classification Sherloc (09022015). Collection method: clinical testing. Allele origin: germline.
Comment: In summary, the available evidence is currently insufficient to determine the role of this variant in disease. Therefore, it has been classified as a Variant of Uncertain Significance. Algorithms developed to predict the effect of sequence changes on RNA splicing suggest that this variant may disrupt the consensus splice site. Algorithms developed to predict the effect of missense changes on protein structure and function are either unavailable or do not agree on the potential impact of this missense change (SIFT: "Deleterious"; PolyPhen-2: "Probably Damaging"; Align-GVGD: "Class C0"). ClinVar contains an entry for this variant (Variation ID: 1009747). This variant has not been reported in the literature in individuals affected with GAN-related conditions. This variant is not present in population databases (gnomAD no frequency). This sequence change replaces glycine, which is neutral and non-polar, with arginine, which is basic and polar, at codon 326 of the GAN protein (p.Gly326Arg).